The following is an entry in ClinVar:

ClinVar aggregate classification (germline): Likely benign (1 of 4 stars; one submission).

Allele frequency attached by ClinVar (database versions not stated): 1000 Genomes Project 0.00319; 1000 Genomes Project 30x 0.00359.
gnomAD v4.1: 431 of 310,674 alleles (0.14%); highest among the groups gnomAD compares: African/African-American, 0.9%; no homozygotes.

Submission:

CeGaT Center for Human Genetics Tuebingen
Classification: Likely benign. Last evaluated: 2026-04-01. Review status: criteria provided, single submitter. Criteria: CeGaT Center For Human Genetics Tuebingen Variant Classification Criteria Version 2. Collection method: clinical testing. Allele origin: germline. Affected: yes. Observed: 3 variant alleles.
Comment: KCNC3: BS1

NM_004977.3(KCNC3):c.*1205C>A

Gene: KCNC3 (potassium voltage-gated channel subfamily C member 3; minus strand). Cytogenetic location: 19q13.33.
Variant type: single nucleotide variant.
Coding change: c.*1205C>A on transcript NM_004977.3 (MANE Select); 1205 bases downstream of the stop codon, C replaced by A.
Molecular consequence: 3 prime UTR variant. On other transcripts: non-coding transcript variant (1).
Genome position (GRCh38, 1-based): chr19:50,314,910, G>T on the plus strand (C>A on the coding strand, the complement: KCNC3 is on the minus strand). VCF-style: chr19-50314910-G-T. GRCh37 (hg19) VCF-style: chr19-50818167-G-T.
Other names: c.*1205C>A (NM_001372305.1).
Identifiers: ClinVar variation 2498794 (VCV002498794.28), dbSNP rs368827687, ClinGen allele CA9594036.
Genomic context (GRCh38, chr19:50,314,910, plus strand): 5'-AGCGCTAAAGGATGGAGGGCAGGGTCGGGGGAGCGCGGCGGGCGGCCCGGGGAGAGCCAG[G>T]GGGGGTGGCAAGGGGCGCGAGGCGCAGGGACACCCCGCTCAGGCCCGCGATGCTGCTGAG-3'